The following is an entry in ClinVar:

NM_000384.3(APOB):c.11980A>C (p.Lys3994Gln)

Gene: APOB (apolipoprotein B; minus strand). Cytogenetic location: 2p24.1.
Variant type: single nucleotide variant.
Coding change: c.11980A>C on transcript NM_000384.3 (MANE Select); coding-DNA position 11980, A replaced by C.
Protein change: p.Lys3994Gln; replaces lysine 3994 with glutamine.
Molecular consequence: missense variant.
Genome position (GRCh38, 1-based): chr2:21,004,376, T>G on the plus strand (A>C on the coding strand, the complement: APOB is on the minus strand). VCF-style: chr2-21004376-T-G. GRCh37 (hg19) VCF-style: chr2-21227248-T-G.
Other names: short protein forms K3994Q.
Identifiers: ClinVar variation 2451325 (VCV002451325.2), dbSNP rs1025322035, ClinGen allele CA43490513.

ClinVar aggregate classification (germline): Uncertain significance (1 of 4 stars; one submission).

Conditions:
Cardiovascular phenotype. Identifiers: MedGen CN230736.

Allele frequency attached by ClinVar (database versions not stated): TOPMed 0.00001.

Submission:

Ambry Genetics
Classification: Uncertain significance for Cardiovascular phenotype. Last evaluated: 2023-02-08. Review status: criteria provided, single submitter. Criteria: Ambry Variant Classification Scheme 2023. Collection method: clinical testing. Allele origin: germline.
Comment: The p.K3994Q variant (also known as c.11980A>C), located in coding exon 28 of the APOB gene, results from an A to C substitution at nucleotide position 11980. The lysine at codon 3994 is replaced by glutamine, an amino acid with similar properties. This amino acid position is conserved. In addition, this alteration is predicted to be tolerated by in silico analysis. Since supporting evidence is limited at this time, the clinical significance of this alteration remains unclear.